The following is an entry in ClinVar:

ClinVar aggregate classification (germline): Conflicting classifications of pathogenicity. Review status: criteria provided, conflicting classifications (1 of 4 stars). 3 submissions from 3 submitters: Pathogenic (1); Likely pathogenic (1); Uncertain significance (1). Last evaluated 2026-09-23.

Conditions:
Hereditary breast ovarian cancer syndrome. Also called: Hereditary breast and ovarian cancer; Breast and ovarian cancer; Hereditary breast and/or ovarian cancer syndrome; Hereditary breast and ovarian cancer syndrome; BRCA1- and BRCA2-Associated Hereditary Breast and Ovarian Cancer; Hereditary breast and ovarian cancer syndrome (HBOC). Identifiers: Orphanet 145, MedGen C0677776, MeSH D061325, MONDO:0003582. Disease mechanism: loss of function.
Hereditary cancer-predisposing syndrome. Also called: Tumor predisposition; Hereditary neoplastic syndrome; Neoplastic Syndromes, Hereditary; Hereditary Cancer Syndrome. Identifiers: Orphanet 140162, MedGen C0027672, MeSH D009386, MONDO:0015356.
Breast-ovarian cancer, familial, susceptibility to, 2 (BROVCA2). Also called: BRCA2 Hereditary Breast and Ovarian Cancer. Identifiers: Orphanet 145, MedGen C2675520, MONDO:0012933, OMIM 612555. Disease mechanism: loss of function.

Submissions (3):

Myriad Genetics, Inc.
Classification: Likely pathogenic for Breast-ovarian cancer, familial, susceptibility to, 2. Last evaluated: 2026-09-23. Review status: criteria provided, single submitter. Criteria: Myriad Autosomal Dominant, Autosomal Recessive and X-Linked Classification Criteria (2023). Collection method: clinical testing. Allele origin: unknown.
Comment: This variant is considered likely pathogenic. This variant creates a frameshift predicted to result in premature protein truncation.

Labcorp Genetics (formerly Invitae), Labcorp
Classification: Pathogenic for Hereditary breast ovarian cancer syndrome. Last evaluated: 2025-08-15. Review status: criteria provided, single submitter. Criteria: Invitae Variant Classification Sherloc (09022015). Collection method: clinical testing. Allele origin: germline.
Comment: This sequence change creates a premature translational stop signal (p.Ile3286Phefs*27) in the BRCA2 gene. While this is not anticipated to result in nonsense mediated decay, it is expected to disrupt the last 133 amino acid(s) of the BRCA2 protein. This variant is not present in population databases (gnomAD no frequency). This variant has not been reported in the literature in individuals affected with BRCA2-related conditions. ClinVar contains an entry for this variant (Variation ID: 948842). This variant disrupts a region of the BRCA2 protein in which other variant(s) (p.Tyr3308*) have been determined to be pathogenic (PMID: 17026620, 18593900, 18607349, 22711857). This suggests that this is a clinically significant region of the protein, and that variants that disrupt it are likely to be disease-causing. For these reasons, this variant has been classified as Pathogenic.

Ambry Genetics
Classification: Uncertain significance for Hereditary cancer-predisposing syndrome. Last evaluated: 2023-09-06. Review status: criteria provided, single submitter. Criteria: Ambry Variant Classification Scheme 2023. Collection method: clinical testing. Allele origin: germline.
Comment: The c.9855delC variant, located in coding exon 26 of the BRCA2 gene, results from a deletion of one nucleotide at nucleotide position 9855, causing a translational frameshift with a predicted alternate stop codon (p.I3286Ffs*27). This alteration occurs at the 3' terminus of theBRCA2 gene, is not expected to trigger nonsense-mediated mRNAdecay, and only impacts the last 134 amino acids of the protein. The exact functional effect of this alteration is unknown. Since supporting evidence is limited at this time, the clinical significance of this alteration remains unclear.

Literature cited by the submitters: PubMed 17026620 (cited by Labcorp Genetics (formerly Invitae), Labcorp); PubMed 18593900 (cited by Labcorp Genetics (formerly Invitae), Labcorp); PubMed 18607349 (cited by Labcorp Genetics (formerly Invitae), Labcorp); PubMed 22711857 (cited by Labcorp Genetics (formerly Invitae), Labcorp).

NM_000059.4(BRCA2):c.9855del (p.Ile3286fs)

Gene: BRCA2 (BRCA2 DNA repair associated; plus strand). Cytogenetic location: 13q13.1.
Variant type: Deletion.
Coding change: c.9855del on transcript NM_000059.4 (MANE Select); coding-DNA position 9855, one base deleted (C; older notation c.9855delC).
Protein change: p.Ile3286fs; shifts the reading frame from isoleucine 3286.
Molecular consequence: frameshift variant.
Genome position (GRCh38, 1-based): chr13:32,398,368, C deleted; the last of 3 consecutive C bases (chr13:32,398,366-32,398,368); deleting any one gives the same sequence. VCF-style (leftmost placement, unchanged base first): chr13-32398365-TC-T. GRCh37 (hg19) VCF-style: chr13-32972502-TC-T.
Other names: c.9855delC (NM_000059.3); short protein forms I3286fs.
Identifiers: ClinVar variation 948842 (VCV000948842.13), dbSNP rs2073051840, ClinGen allele CA1139663206.